The following is an entry in ClinVar:

NM_033305.3(VPS13A):c.1125_1128del (p.Ser375fs)

Gene: VPS13A (vacuolar protein sorting 13 homolog A; plus strand). Cytogenetic location: 9q21.2.
Variant type: Deletion.
Coding change: c.1125_1128del on transcript NM_033305.3 (MANE Select); coding-DNA positions 1125 to 1128, 4 bases deleted (TAAG; older notation c.1125_1128delTAAG).
Protein change: p.Ser375fs; shifts the reading frame from serine 375.
Molecular consequence: frameshift variant.
Genome position (GRCh38, 1-based): chr9:77,221,320-77,221,323, TAAG deleted; deleting any 4 consecutive bases within chr9:77,221,317-77,221,323 gives the same sequence; the c. name uses the placement nearest the transcript's 3' end. VCF-style (leftmost placement, unchanged base first): chr9-77221316-CAAGT-C. GRCh37 (hg19) VCF-style: chr9-79836232-CAAGT-C.
Other names: c.1125_1128del, p.Ser375fs (NM_001018037.2, NM_001018038.3, NM_015186.4); short protein forms S375fs.
Identifiers: ClinVar variation 1454850 (VCV001454850.8), dbSNP rs748999076, ClinGen allele CA5091584.

ClinVar aggregate classification (germline): Pathogenic/Likely pathogenic. Review status: criteria provided, multiple submitters, no conflicts (2 of 4 stars). 4 submissions from 4 submitters: Pathogenic (2); Likely pathogenic (2). Last evaluated 2025-08-21.

Conditions:
VPS13A-related neurodegenerative disease. Also called: Choreoacanthocytosis; Chorea-acanthocytosis; Choreaacanthocytosis; VPS13A Disease; ACANTHOCYTOSIS WITH NEUROLOGIC DISORDER; LEVINE-CRITCHLEY SYNDROME. Identifiers: Orphanet 2388, MedGen C0393576, MONDO:0008695, OMIM 200150.

Submissions (4):

Variantyx, Inc.
Classification: Likely pathogenic for VPS13A-related neurodegenerative disease. Last evaluated: 2025-08-21. Review status: criteria provided, single submitter. Criteria: Variantyx Assertion Criteria 2022. Collection method: clinical testing. Allele origin: germline. Inheritance: Autosomal recessive inheritance. Affected: no.
Comment: This is a frameshift variant in the VPS13A gene (OMIM: 605978). Pathogenic variants in this gene have been associated with autosomal recessive choreoacanthocytosis. This variant introduces a premature termination codon in exon 13 out of 72 and is expected to result in loss of function, which is a known disease mechanism for VPS13A in this disorder (PMID: 12404112, 21598378) (PVS1). This variant has a 0.0022% maximum allele frequency in non-founder control populations (PM2). Based on the current evidence, this variant is classified as likely pathogenic for autosomal recessive choreoacanthocytosis.

Myriad Genetics, Inc.
Classification: Pathogenic for VPS13A-related neurodegenerative disease. Last evaluated: 2024-05-14. Review status: criteria provided, single submitter. Criteria: Myriad Autosomal Dominant, Autosomal Recessive and X-Linked Classification Criteria (2023). Collection method: clinical testing. Allele origin: unknown.
Comment: NM_033305.2(VPS13A):c.1125_1128delTAAG(S375Rfs*23) is expected to be pathogenic in the context of VPS13A disease. This variant is predicted to lead to an abnormal or absent protein product due to the creation of a premature termination codon in VPS13A, a gene where loss-of-function variants are known to be pathogenic. Please note: this variant was assessed in the context of healthy population screening.

Fulgent Genetics
Classification: Likely pathogenic for VPS13A-related neurodegenerative disease. Last evaluated: 2024-01-25. Review status: criteria provided, single submitter. Criteria: ACMG Guidelines, 2015. Collection method: clinical testing. Allele origin: germline.

Labcorp Genetics (formerly Invitae), Labcorp
Classification: Pathogenic. Last evaluated: 2021-10-17. Review status: criteria provided, single submitter. Criteria: Invitae Variant Classification Sherloc (09022015). Collection method: clinical testing. Allele origin: germline.
Comment: For these reasons, this variant has been classified as Pathogenic. This variant is also known as 373TfsX22. This premature translational stop signal has been observed in individual(s) with chorea-acanthocytosis (PMID: 12404112). This variant is present in population databases (rs748999076, ExAC 0.006%). This sequence change creates a premature translational stop signal (p.Ser375Argfs*23) in the VPS13A gene. It is expected to result in an absent or disrupted protein product. Loss-of-function variants in VPS13A are known to be pathogenic (PMID: 12404112, 21598378).

Literature cited by the submitters: PubMed 12404112 (cited by Variantyx, Inc. and Labcorp Genetics (formerly Invitae), Labcorp); PubMed 21598378 (cited by Variantyx, Inc. and Labcorp Genetics (formerly Invitae), Labcorp).